The following is an entry in ClinVar:

NM_178857.6(RP1L1):c.7047T>C (p.Thr2349=)

Gene: RP1L1 (RP1 like 1). Cytogenetic location: 8p23.1.
Variant type: single nucleotide variant.
Coding change: c.7047T>C on transcript NM_178857.6 (MANE Select); coding-DNA position 7047, T replaced by C.
Protein change: p.Thr2349=; no amino-acid change (threonine 2349 retained).
Molecular consequence: synonymous variant.
Genome position (GRCh38, 1-based): chr8:10,607,051, A>G on the plus strand (T>C on the coding strand, the complement: RP1L1 is on the minus strand). VCF-style: chr8-10607051-A-G. GRCh37 (hg19) VCF-style: chr8-10464561-A-G.
Identifiers: ClinVar variation 361204 (VCV000361204.52), dbSNP rs202213014, ClinGen allele CA4623094.
Genomic context (GRCh38, chr8:10,607,051, plus strand): 5'-ACCTTCACTGGCCCCCTGCTCTGGAGTCCTTGAGCCCAAAGGGGCCTCTTCTTGCTCAGA[A>G]GTAGAACTTTCTGGGTACATCCTGGTGGCCTTCCTCTCTGCATGAGGGGTCCCCGTGGAC-3'
Protein context (NP_849188.4, residues 2339-2359): KATRMYPESS[Thr2349=]SEQEEAPLGS

ClinVar aggregate classification (germline): Benign/Likely benign. Review status: criteria provided, multiple submitters, no conflicts (2 of 4 stars). 7 submissions from 7 submitters: Benign (1); Likely benign (2). 4 of the submissions do not count toward it. Last evaluated 2024-11-26.

Conditions:
Occult macular dystrophy (OCMD). Also called: OMD; OCCULT MACULAR DYSTROPHY, SUSCEPTIBILITY TO. Identifiers: Orphanet 247834, MedGen C3150833, MONDO:0013316, OMIM 613587, HP:0030636.
RP1L1-related disorder. Also called: RP1L1-related condition.

Allele frequency attached by ClinVar (database versions not stated): 1000 Genomes Project 0.00020; 1000 Genomes Project 30x 0.00031; TOPMed 0.00178; ESP Exome Variant Server 0.00200; gnomAD 0.00218 and 0.00219; ExAC 0.00230; gnomAD exomes 0.00230 and 0.00293.
gnomAD v4.1: 4,561 of 1,614,164 alleles (0.28%); highest among the groups gnomAD compares: Non-Finnish European, 0.34%; 5 homozygotes.

Submissions (7):

Blueprint Genetics
Classification: Likely benign. Last evaluated: 2024-11-26. Review status: criteria provided, single submitter. Criteria: ACMG Guidelines, 2015. Collection method: clinical testing. Allele origin: germline.

CeGaT Center for Human Genetics Tuebingen
Classification: Likely benign. Last evaluated: 2024-01-01. Review status: criteria provided, single submitter. Criteria: CeGaT Center For Human Genetics Tuebingen Variant Classification Criteria Version 2. Collection method: clinical testing. Allele origin: germline. Affected: yes. Observed: 4 variant alleles.
Comment: RP1L1: BP4, BP7, BS2

Illumina Laboratory Services, Illumina
Classification: Benign for Occult macular dystrophy. Last evaluated: 2018-01-13. Review status: criteria provided, single submitter. Criteria: ICSL Variant Classification Criteria 13 December 2019. Collection method: clinical testing. Allele origin: germline.
Comment: This variant was observed in the ICSL laboratory as part of a predisposition screen in an ostensibly healthy population. It had not been previously curated by ICSL or reported in the Human Gene Mutation Database (HGMD: prior to June 1st, 2018), and was therefore a candidate for classification through an automated scoring system. Utilizing variant allele frequency, disease prevalence and penetrance estimates, and inheritance mode, an automated score was calculated to assess if this variant is too frequent to cause the disease. Based on the score and internal cut-off values, a variant classified as benign is not then subjected to further curation. The score for this variant resulted in a classification of benign for this disease.

PreventionGenetics, part of Exact Sciences
Classification: Benign for RP1L1-related condition. Last evaluated: 2019-10-29. Review status: no assertion criteria provided. Collection method: clinical testing. Allele origin: germline. Not counted in ClinVar's aggregate classification.
Comment: This variant is classified as benign based on ACMG/AMP sequence variant interpretation guidelines (Richards et al. 2015 PMID: 25741868, with internal and published modifications).

Clinical Genetics DNA and cytogenetics Diagnostics Lab, Erasmus MC, Erasmus Medical Center
Classification: Likely benign. Review status: no assertion criteria provided. Collection method: clinical testing. Allele origin: germline. Affected: yes. Study: VKGL Data-share Consensus. Not counted in ClinVar's aggregate classification.

Clinical Genetics, Academic Medical Center
Classification: Benign. Review status: no assertion criteria provided. Collection method: clinical testing. Allele origin: germline. Affected: yes. Study: VKGL Data-share Consensus. Not counted in ClinVar's aggregate classification.

Joint Genome Diagnostic Labs from Nijmegen and Maastricht, Radboudumc and MUMC+
Classification: Benign. Review status: no assertion criteria provided. Collection method: clinical testing. Allele origin: germline. Affected: yes. Study: VKGL Data-share Consensus. Not counted in ClinVar's aggregate classification.